The following is an entry in ClinVar:

ClinVar aggregate classification (germline): Uncertain significance. Review status: criteria provided, multiple submitters, no conflicts (2 of 4 stars). 2 submissions from 2 submitters: Uncertain significance (2). Last evaluated 2022-06-27.

Conditions:
Inborn genetic diseases. Identifiers: MedGen C0950123, MeSH D030342.
Developmental and epileptic encephalopathy, 12 (DEE12). Identifiers: MedGen C3150988, MONDO:0013389, OMIM 613722.

Allele frequency attached by ClinVar (database versions not stated): gnomAD 0.00001.
gnomAD v4.1: 5 of 1,552,970 alleles (0.00032%); highest among the groups gnomAD compares: Middle Eastern, 0.018%; no homozygotes.

Submissions (2):

Labcorp Genetics (formerly Invitae), Labcorp
Classification: Uncertain significance for Developmental and epileptic encephalopathy, 12. Last evaluated: 2022-06-27. Review status: criteria provided, single submitter. Criteria: Invitae Variant Classification Sherloc (09022015). Collection method: clinical testing. Allele origin: germline.
Comment: This sequence change replaces threonine, which is neutral and polar, with asparagine, which is neutral and polar, at codon 453 of the PNKP protein (p.Thr453Asn). This variant is not present in population databases (gnomAD no frequency). This variant has not been reported in the literature in individuals affected with PNKP-related conditions. ClinVar contains an entry for this variant (Variation ID: 578760). Algorithms developed to predict the effect of missense changes on protein structure and function are either unavailable or do not agree on the potential impact of this missense change (SIFT: "Tolerated"; PolyPhen-2: "Possibly Damaging"; Align-GVGD: "Class C0"). In summary, the available evidence is currently insufficient to determine the role of this variant in disease. Therefore, it has been classified as a Variant of Uncertain Significance.

Ambry Genetics
Classification: Uncertain significance for Inborn genetic diseases. Last evaluated: 2018-12-28. Review status: criteria provided, single submitter. Criteria: Ambry Variant Classification Scheme 2023. Collection method: clinical testing. Allele origin: germline.
Comment: The p.T453N variant (also known as c.1358C>A), located in coding exon 14 of the PNKP gene, results from a C to A substitution at nucleotide position 1358. The threonine at codon 453 is replaced by asparagine, an amino acid with similar properties. This amino acid position is well conserved in available vertebrate species. In addition, this alteration is predicted to be tolerated by in silico analysis. Since supporting evidence is limited at this time, the clinical significance of this alteration remains unclear.

NM_007254.4(PNKP):c.1358C>A (p.Thr453Asn)

Gene: PNKP (polynucleotide kinase 3'-phosphatase; minus strand). Cytogenetic location: 19q13.33.
Variant type: single nucleotide variant.
Coding change: c.1358C>A on transcript NM_007254.4 (MANE Select); coding-DNA position 1358, C replaced by A.
Protein change: p.Thr453Asn; replaces threonine 453 with asparagine.
Molecular consequence: missense variant.
Genome position (GRCh38, 1-based): chr19:49,861,636, G>T on the plus strand (C>A on the coding strand, the complement: PNKP is on the minus strand). VCF-style: chr19-49861636-G-T. GRCh37 (hg19) VCF-style: chr19-50364893-G-T.
Other names: short protein forms T453N.
Identifiers: ClinVar variation 578760 (VCV000578760.9), dbSNP rs1455514180, ClinGen allele CA406933078.